The following is an entry in ClinVar:

ClinVar aggregate classification (germline): Pathogenic. Review status: criteria provided, multiple submitters, no conflicts (2 of 4 stars). 3 submissions from 3 submitters: Pathogenic (3). Last evaluated 2024-06-02.

Conditions:
Peutz-Jeghers syndrome (PJS). Also called: POLYPOSIS, HAMARTOMATOUS INTESTINAL; POLYPS-AND-SPOTS SYNDROME; Peutz-Jeghers polyposis; Periorificial lentiginosis syndrome. Identifiers: Orphanet 2869, MedGen C0031269, MeSH D010580, MONDO:0008280, OMIM 175200.

Submissions (3):

Labcorp Genetics (formerly Invitae), Labcorp
Classification: Pathogenic for Peutz-Jeghers syndrome. Last evaluated: 2024-06-02. Review status: criteria provided, single submitter. Criteria: Invitae Variant Classification Sherloc (09022015). Collection method: clinical testing. Allele origin: germline.
Comment: This sequence change creates a premature translational stop signal (p.Val243Serfs*44) in the STK11 gene. It is expected to result in an absent or disrupted protein product. Loss-of-function variants in STK11 are known to be pathogenic (PMID: 15188174, 16287113). This variant is not present in population databases (gnomAD no frequency). This variant has not been reported in the literature in individuals affected with STK11-related conditions. ClinVar contains an entry for this variant (Variation ID: 446257). For these reasons, this variant has been classified as Pathogenic.

Genome-Nilou Lab
Classification: Pathogenic for Peutz-Jeghers syndrome. Last evaluated: 2021-07-15. Review status: criteria provided, single submitter. Criteria: ACMG Guidelines, 2015. Collection method: clinical testing. Allele origin: germline. Affected: no.

National Molecular Genetics Centre of Cancer Research, N.N. Alexandrov National Cancer Centre of Belarus
Classification: Pathogenic for Peutz-Jeghers syndrome. Last evaluated: 2017-08-07. Review status: criteria provided, single submitter. Criteria: ACMG Guidelines, 2015. Collection method: clinical testing. Allele origin: germline. Affected: yes. Observed: 1 variant allele, 1 heterozygote.
Comment: Emory Genetics Laboratory Classification Definitions Pathogenic: a. Variants predicted to result in the loss of protein function in a gene for which this is a known mechanism of disease (may or may not have been previously reported in patients with disease) 1. frameshift (an insertion or deletion that is not a multiple of 3 nucleotides).

Literature cited by the submitters: PubMed 15188174 (cited by Labcorp Genetics (formerly Invitae), Labcorp); PubMed 16287113 (cited by Labcorp Genetics (formerly Invitae), Labcorp).

NM_000455.5(STK11):c.727del (p.Val243fs)

Gene: STK11 (serine/threonine kinase 11; plus strand). Cytogenetic location: 19p13.3.
Variant type: Deletion.
Coding change: c.727del on transcript NM_000455.5 (MANE Select); coding-DNA position 727, one base deleted (G; older notation c.727delG).
Protein change: p.Val243fs; shifts the reading frame from valine 243.
Molecular consequence: frameshift variant.
Genome position (GRCh38, 1-based): chr19:1,220,710, G deleted; the last of 4 consecutive G bases (chr19:1,220,707-1,220,710); deleting any one gives the same sequence. VCF-style (leftmost placement, unchanged base first): chr19-1220706-TG-T. GRCh37 (hg19) VCF-style: chr19-1220705-TG-T.
Other names: c.727delG (NM_000455.4).
Identifiers: ClinVar variation 446257 (VCV000446257.10), dbSNP rs1555738475, ClinGen allele CA658653695.